The following is an entry in ClinVar:

ClinVar aggregate classification (germline): Benign/Likely benign. Review status: criteria provided, multiple submitters, no conflicts (2 of 4 stars). 4 submissions from 4 submitters: Benign (1); Likely benign (2). 1 of the submissions does not count toward it. Last evaluated 2026-01-26.

Conditions:
SI-related disorder. Also called: SI-related condition.
Sucrase-isomaltase deficiency (CSID). Also called: SI DEFICIENCY; Congenital sucrose isomaltose malabsorption; Sucrose isomaltose enzyme deficiency; Deficiency of isomaltase. Identifiers: Orphanet 35122, MedGen C1283620, MONDO:0009114, OMIM 222900.

Allele frequency attached by ClinVar (database versions not stated): gnomAD exomes 0.00017 and 0.00041; ExAC 0.00055; 1000 Genomes Project 30x 0.00109; 1000 Genomes Project 0.00120; gnomAD 0.00143 and 0.00152; TOPMed 0.00182; ESP Exome Variant Server 0.00208.
gnomAD v4.1: 466 of 1,612,624 alleles (0.029%); highest among the groups gnomAD compares: African/African-American, 0.54%; 2 homozygotes.

Submissions (4):

Labcorp Genetics (formerly Invitae), Labcorp
Classification: Benign. Last evaluated: 2026-01-26. Review status: criteria provided, single submitter. Criteria: Invitae Variant Classification Sherloc (09022015). Collection method: clinical testing. Allele origin: germline.

Blueprint Genetics
Classification: Likely benign. Last evaluated: 2024-11-07. Review status: criteria provided, single submitter. Criteria: ACMG Guidelines, 2015. Collection method: clinical testing. Allele origin: germline.

Fulgent Genetics
Classification: Likely benign for Sucrase-isomaltase deficiency. Last evaluated: 2021-09-01. Review status: criteria provided, single submitter. Criteria: ACMG Guidelines, 2015. Collection method: clinical testing. Allele origin: unknown.

PreventionGenetics, part of Exact Sciences
Classification: Likely benign for SI-related condition. Last evaluated: 2019-06-10. Review status: no assertion criteria provided. Collection method: clinical testing. Allele origin: germline. Not counted in ClinVar's aggregate classification.
Comment: This variant is classified as likely benign based on ACMG/AMP sequence variant interpretation guidelines (Richards et al. 2015 PMID: 25741868, with internal and published modifications).

NM_001041.4(SI):c.1218C>T (p.Asn406=)

Gene: SI (sucrase-isomaltase; minus strand). Cytogenetic location: 3q26.1.
Variant type: single nucleotide variant.
Coding change: c.1218C>T on transcript NM_001041.4 (MANE Select); coding-DNA position 1218, C replaced by T.
Protein change: p.Asn406=; no amino-acid change (asparagine 406 retained).
Molecular consequence: synonymous variant.
Genome position (GRCh38, 1-based): chr3:165,059,228, G>A on the plus strand (C>T on the coding strand, the complement: SI is on the minus strand). VCF-style: chr3-165059228-G-A. GRCh37 (hg19) VCF-style: chr3-164777016-G-A.
Other names: c.1218C>T (NM_001041.3).
Identifiers: ClinVar variation 1165775 (VCV001165775.13), dbSNP rs151296973, ClinGen allele CA2691139.
Genomic context (GRCh38, chr3:165,059,228, plus strand): 5'-CAAGATGATGACATATTTCTGTCCATGGTCATGCAAATCTTGCACAAATTGAGGGAGTCC[G>A]TTAAACGCAACTTGATCATAAGTAAAGTCTTTCTTGTCTTCCATGTAGTCAATATCAGTG-3'
Protein context (NP_001032.2, residues 396-416): KDFTYDQVAF[Asn406=]GLPQFVQDLH